The following is an entry in ClinVar:

NM_001002755.4(NFU1):c.303-19A>G

Gene: NFU1 (NFU1 iron-sulfur cluster scaffold; minus strand). Cytogenetic location: 2p13.3.
Variant type: single nucleotide variant.
Coding change: c.303-19A>G on transcript NM_001002755.4 (MANE Select); 19 bases into the intron before coding-DNA position 303, A replaced by G.
Molecular consequence: intron variant.
Genome position (GRCh38, 1-based): chr2:69,419,623, T>C on the plus strand (A>G on the coding strand, the complement: NFU1 is on the minus strand). VCF-style: chr2-69419623-T-C. GRCh37 (hg19) VCF-style: chr2-69646755-T-C.
Other names: c.231-19A>G (NM_015700.4, NM_001374284.1); c.-121-19A>G (NM_001002756.2).
Identifiers: ClinVar variation 511601 (VCV000511601.11), dbSNP rs141033711, ClinGen allele CA1694225.

ClinVar aggregate classification (germline): Likely benign. Review status: criteria provided, multiple submitters, no conflicts (2 of 4 stars). 3 submissions from 3 submitters: Likely benign (3). Last evaluated 2025-07-23.

Conditions:
Multiple mitochondrial dysfunctions syndrome 1 (MMDS1). Identifiers: Orphanet 401869, MedGen C3276432, MONDO:0011582, OMIM 605711.

Allele frequency attached by ClinVar (database versions not stated): 1000 Genomes Project 30x 0.00016; 1000 Genomes Project 0.00020; TOPMed 0.00022; ESP Exome Variant Server 0.00023; ExAC 0.00025; gnomAD exomes 0.00025 and 0.00027; gnomAD 0.00030 and 0.00031.
gnomAD v4.1: 387 of 1,415,348 alleles (0.027%); highest among the groups gnomAD compares: Non-Finnish European, 0.031%; no homozygotes.

Submissions (3):

Labcorp Genetics (formerly Invitae), Labcorp
Classification: Likely benign for Multiple mitochondrial dysfunctions syndrome 1. Last evaluated: 2025-07-23. Review status: criteria provided, single submitter. Criteria: Invitae Variant Classification Sherloc (09022015). Collection method: clinical testing. Allele origin: germline.

Blueprint Genetics
Classification: Likely benign. Last evaluated: 2024-09-09. Review status: criteria provided, single submitter. Criteria: ACMG Guidelines, 2015. Collection method: clinical testing. Allele origin: germline.

GeneDx
Classification: Likely benign. Last evaluated: 2017-09-06. Review status: criteria provided, single submitter. Criteria: GeneDx Variant Classification (06012015). Collection method: clinical testing. Allele origin: germline. Affected: yes.
Comment: This variant is considered likely benign or benign based on one or more of the following criteria: it is a conservative change, it occurs at a poorly conserved position in the protein, it is predicted to be benign by multiple in silico algorithms, and/or has population frequency not consistent with disease.